The following is an entry in ClinVar:

NM_024529.5(CDC73):c.59T>C (p.Val20Ala)

Gene: CDC73 (cell division cycle 73; plus strand). Cytogenetic location: 1q31.2.
Variant type: single nucleotide variant.
Coding change: c.59T>C on transcript NM_024529.5 (MANE Select); coding-DNA position 59, T replaced by C.
Protein change: p.Val20Ala; replaces valine 20 with alanine.
Molecular consequence: missense variant.
Genome position (GRCh38, 1-based): chr1:193,122,259, T>C. VCF-style: chr1-193122259-T-C. GRCh37 (hg19) VCF-style: chr1-193091389-T-C.
Other names: short protein forms V20A.
Identifiers: ClinVar variation 3637483 (VCV003637483.2).

ClinVar aggregate classification (germline): Uncertain significance (1 of 4 stars; one submission).

Conditions:
Parathyroid carcinoma (PRTC). Also called: Parathyroid gland carcinoma; CDC73-Related Parathyroid Carcinoma. Identifiers: Orphanet 143, MedGen C0687150, MONDO:0012004, OMIM 608266, HP:0006780.

Submission:

Labcorp Genetics (formerly Invitae), Labcorp
Classification: Uncertain significance for Parathyroid carcinoma. Last evaluated: 2024-05-22. Review status: criteria provided, single submitter. Criteria: Invitae Variant Classification Sherloc (09022015). Collection method: clinical testing. Allele origin: germline.
Comment: This sequence change replaces valine, which is neutral and non-polar, with alanine, which is neutral and non-polar, at codon 20 of the CDC73 protein (p.Val20Ala). This variant is not present in population databases (gnomAD no frequency). This variant has not been reported in the literature in individuals affected with CDC73-related conditions. Advanced modeling of protein sequence and biophysical properties (such as structural, functional, and spatial information, amino acid conservation, physicochemical variation, residue mobility, and thermodynamic stability) performed at Invitae indicates that this missense variant is not expected to disrupt CDC73 protein function with a negative predictive value of 80%. In summary, the available evidence is currently insufficient to determine the role of this variant in disease. Therefore, it has been classified as a Variant of Uncertain Significance.